The following is an entry in ClinVar:

NM_004656.4(BAP1):c.2186A>T (p.Gln729Leu)

Gene: BAP1 (BRCA1 associated deubiquitinase 1; minus strand). Cytogenetic location: 3p21.1.
Variant type: single nucleotide variant.
Coding change: c.2186A>T on transcript NM_004656.4 (MANE Select); coding-DNA position 2186, A replaced by T.
Protein change: p.Gln729Leu; replaces glutamine 729 with leucine.
Molecular consequence: missense variant.
Genome position (GRCh38, 1-based): chr3:52,402,292, T>A on the plus strand (A>T on the coding strand, the complement: BAP1 is on the minus strand). VCF-style: chr3-52402292-T-A. GRCh37 (hg19) VCF-style: chr3-52436308-T-A.
Other names: c.2132A>T, p.Gln711Leu (NM_001410772.1); short protein forms Q711L, Q729L.
Identifiers: ClinVar variation 2450439 (VCV002450439.5), dbSNP rs2471318234, ClinGen allele CA353093855.
Genomic context (GRCh38, chr3:52,402,292, plus strand): 5'-GACCCTGGTGAGGGCCACACGGCAAGAGTGGGCTGCAGAGTCAGGGCCAGCAGTCCTCAC[T>A]GGCGCTTGGCCTTGTAGGGGCGAGAGCGTTTCCGCCGGTCAGGCTTCCGCTGCTTGTGGA-3'
Protein context (NP_004647.1, residues 719-729): KRSRPYKAKR[Gln729Leu]

ClinVar aggregate classification (germline): Uncertain significance. Review status: criteria provided, multiple submitters, no conflicts (2 of 4 stars). 2 submissions from 2 submitters: Uncertain significance (2). Last evaluated 2023-02-04.

Conditions:
BAP1-related tumor predisposition syndrome (TPDS1). Also called: BAP1 tumor predisposition syndrome; Tumor susceptibility linked to germline BAP1 mutations; TUMOR PREDISPOSITION SYNDROME 1; COMMON Syndrome. Identifiers: Orphanet 289539, MedGen C3280492, MONDO:0013692, OMIM 614327.
Hereditary cancer-predisposing syndrome. Also called: Neoplastic Syndromes, Hereditary; Tumor predisposition; Hereditary neoplastic syndrome; Hereditary Cancer Syndrome. Identifiers: Orphanet 140162, MedGen C0027672, MeSH D009386, MONDO:0015356.

Allele frequency attached by ClinVar (database versions not stated): gnomAD exomes below 0.00001.
gnomAD v4.1: 4 of 1,601,016 alleles (0.00025%); highest among the groups gnomAD compares: Non-Finnish European, 0.00034%; no homozygotes.

Submissions (2):

Ambry Genetics
Classification: Uncertain significance for Hereditary cancer-predisposing syndrome. Last evaluated: 2023-02-04. Review status: criteria provided, single submitter. Criteria: Ambry Variant Classification Scheme 2023. Collection method: clinical testing. Allele origin: germline.
Comment: The p.Q729L variant (also known as c.2186A>T), located in coding exon 17 of the BAP1 gene, results from an A to T substitution at nucleotide position 2186. The glutamine at codon 729 is replaced by leucine, an amino acid with dissimilar properties. This amino acid position is conserved. In addition, the in silico prediction for this alteration is inconclusive. Since supporting evidence is limited at this time, the clinical significance of this alteration remains unclear.

Labcorp Genetics (formerly Invitae), Labcorp
Classification: Uncertain significance for BAP1-related tumor predisposition syndrome. Last evaluated: 2022-11-11. Review status: criteria provided, single submitter. Criteria: Invitae Variant Classification Sherloc (09022015). Collection method: clinical testing. Allele origin: germline.
Comment: This variant has not been reported in the literature in individuals affected with BAP1-related conditions. This variant is not present in population databases (gnomAD no frequency). This sequence change replaces glutamine, which is neutral and polar, with leucine, which is neutral and non-polar, at codon 729 of the BAP1 protein (p.Gln729Leu). Advanced modeling of protein sequence and biophysical properties (such as structural, functional, and spatial information, amino acid conservation, physicochemical variation, residue mobility, and thermodynamic stability) performed at Invitae indicates that this missense variant is expected to disrupt BAP1 protein function. In summary, the available evidence is currently insufficient to determine the role of this variant in disease. Therefore, it has been classified as a Variant of Uncertain Significance.